The following is an entry in ClinVar:

NM_018263.6(ASXL2):c.140+5G>A

Gene: ASXL2 (ASXL transcriptional regulator 2; minus strand). Cytogenetic location: 2p23.3.
Variant type: single nucleotide variant.
Coding change: c.140+5G>A on transcript NM_018263.6 (MANE Select); 5 bases into the intron after coding-DNA position 140, G replaced by A.
Molecular consequence: intron variant.
Genome position (GRCh38, 1-based): chr2:25,845,476, C>T on the plus strand (G>A on the coding strand, the complement: ASXL2 is on the minus strand). VCF-style: chr2-25845476-C-T. GRCh37 (hg19) VCF-style: chr2-26068345-C-T.
Other names: c.140+5G>A (NM_018263.4).
Identifiers: ClinVar variation 1370014 (VCV001370014.7), dbSNP rs753082942, ClinGen allele CA1558169.

ClinVar aggregate classification (germline): Conflicting classifications of pathogenicity. Review status: criteria provided, conflicting classifications (1 of 4 stars). 2 submissions from 2 submitters: Uncertain significance (1); Likely benign (1). Last evaluated 2025-07-22.

Conditions:
Inborn genetic diseases. Identifiers: MedGen C0950123, MeSH D030342.

Allele frequency attached by ClinVar (database versions not stated): gnomAD exomes 0.00001 and 0.00004; TOPMed 0.00002; ExAC 0.00004.
gnomAD v4.1: 9 of 1,443,364 alleles (0.00062%); highest among the groups gnomAD compares: Admixed American, 0.019%; no homozygotes.

Submissions (2):

Ambry Genetics
Classification: Likely benign for Inborn genetic diseases. Last evaluated: 2025-07-22. Review status: criteria provided, single submitter. Criteria: Ambry Variant Classification Scheme 2023. Collection method: clinical testing. Allele origin: germline.

Labcorp Genetics (formerly Invitae), Labcorp
Classification: Uncertain significance. Last evaluated: 2024-12-09. Review status: criteria provided, single submitter. Criteria: Invitae Variant Classification Sherloc (09022015). Collection method: clinical testing. Allele origin: germline.
Comment: This sequence change falls in intron 2 of the ASXL2 gene. It does not directly change the encoded amino acid sequence of the ASXL2 protein. It affects a nucleotide within the consensus splice site. This variant is present in population databases (rs753082942, gnomAD 0.03%). This variant has not been reported in the literature in individuals affected with ASXL2-related conditions. ClinVar contains an entry for this variant (Variation ID: 1370014). Variants that disrupt the consensus splice site are a relatively common cause of aberrant splicing (PMID: 17576681, 9536098). Algorithms developed to predict the effect of sequence changes on RNA splicing suggest that this variant is not likely to affect RNA splicing. In summary, the available evidence is currently insufficient to determine the role of this variant in disease. Therefore, it has been classified as a Variant of Uncertain Significance.

Literature cited by the submitters: PubMed 17576681 (cited by Labcorp Genetics (formerly Invitae), Labcorp); PubMed 9536098 (cited by Labcorp Genetics (formerly Invitae), Labcorp).